The following is an entry in ClinVar:

ClinVar aggregate classification (germline): Uncertain significance (1 of 4 stars; one submission).

Submission:

Labcorp Genetics (formerly Invitae), Labcorp
Classification: Uncertain significance. Last evaluated: 2022-02-10. Review status: criteria provided, single submitter. Criteria: Invitae Variant Classification Sherloc (09022015). Collection method: clinical testing. Allele origin: germline.
Comment: In summary, the available evidence is currently insufficient to determine the role of this variant in disease. Therefore, it has been classified as a Variant of Uncertain Significance. ClinVar contains an entry for this variant (Variation ID: 863251). This variant has not been reported in the literature in individuals affected with CAPN5-related conditions. This variant is not present in population databases (gnomAD no frequency). This sequence change creates a premature translational stop signal (p.Lys396Asnfs*7) in the CAPN5 gene. It is expected to result in an absent or disrupted protein product. However, the current clinical and genetic evidence is not sufficient to establish whether loss-of-function variants in CAPN5 cause disease.

NM_004055.5(CAPN5):c.1188del (p.Lys396fs)

Gene: CAPN5 (calpain 5; plus strand). Cytogenetic location: 11q13.5.
Variant type: Deletion.
Coding change: c.1188del on transcript NM_004055.5 (MANE Select); coding-DNA position 1188, one base deleted (G; older notation c.1188delG).
Protein change: p.Lys396fs; shifts the reading frame from lysine 396.
Molecular consequence: frameshift variant.
Genome position (GRCh38, 1-based): chr11:77,119,050, G deleted. VCF-style (leftmost placement, unchanged base first): chr11-77119049-AG-A. GRCh37 (hg19) VCF-style: chr11-76830095-AG-A.
Other names: short protein forms K396fs.
Identifiers: ClinVar variation 863251 (VCV000863251.9), dbSNP rs1950496604, ClinGen allele CA916083265.